The following is an entry in ClinVar:

NM_153460.4(IL17RC):c.1047C>T (p.Asn349=)

Gene: IL17RC (interleukin 17 receptor C; plus strand). Cytogenetic location: 3p25.3.
Variant type: single nucleotide variant.
Coding change: c.1047C>T on transcript NM_153460.4 (MANE Select); coding-DNA position 1047, C replaced by T.
Protein change: p.Asn349=; no amino-acid change (asparagine 349 retained).
Molecular consequence: synonymous variant. On other transcripts: non-coding transcript variant (1).
Genome position (GRCh38, 1-based): chr3:9,928,474, C>T. VCF-style: chr3-9928474-C-T. GRCh37 (hg19) VCF-style: chr3-9970158-C-T.
Other names: p.Asn420=; c.1047C>T, p.Asn349= (NM_001203263.2, NM_001203264.2); c.1002C>T, p.Asn334= (NM_001203265.2, NM_001367280.1, NM_032732.6); c.1008C>T, p.Asn336= (NM_001367278.1); c.927C>T, p.Asn309= (NM_001367279.1); c.1260C>T, p.Asn420= (NM_153461.4).
Identifiers: ClinVar variation 1168987 (VCV001168987.13), dbSNP rs279548, ClinGen allele CA2247108.

ClinVar aggregate classification (germline): Benign/Likely benign. Review status: criteria provided, multiple submitters, no conflicts (2 of 4 stars). 5 submissions from 5 submitters: Benign (4); Likely benign (1). Last evaluated 2026-02-04.

Conditions:
Candidiasis, familial, 9 (CANDF9). Identifiers: Orphanet 1334, MedGen C4225324, MONDO:0014642, OMIM 616445.

Allele frequency attached by ClinVar (database versions not stated): 1000 Genomes Project 0.15415; 1000 Genomes Project 30x 0.15771; TOPMed 0.21431; gnomAD exomes 0.21507; gnomAD 0.21730 and 0.22119; ExAC 0.21750; ESP Exome Variant Server 0.22513.
gnomAD v4.1: 377,922 of 1,610,846 alleles (23%); highest among the groups gnomAD compares: Middle Eastern, 33%; 46,813 homozygotes.

Submissions (5):

Labcorp Genetics (formerly Invitae), Labcorp
Classification: Benign for Candidiasis, familial, 9. Last evaluated: 2026-02-04. Review status: criteria provided, single submitter. Criteria: Invitae Variant Classification Sherloc (09022015). Collection method: clinical testing. Allele origin: germline.

Blueprint Genetics
Classification: Likely benign. Last evaluated: 2024-11-26. Review status: criteria provided, single submitter. Criteria: ACMG Guidelines, 2015. Collection method: clinical testing. Allele origin: germline.

Unidad de Genómica Garrahan, Hospital de Pediatría Garrahan
Classification: Benign. Last evaluated: 2024-01-24. Review status: criteria provided, single submitter. Criteria: ACMG Guidelines, 2015. Collection method: clinical testing. Allele origin: germline. Affected: no. Observed: 36 variant alleles.
Comment: This variant is classified as Benign based on local population frequency. This variant was detected in 38% of patients studied by a panel of primary immunodeficiencies. Number of patients: 36. Only high quality variants are reported.

Mayo Clinic Laboratories, Mayo Clinic
Classification: Benign. Last evaluated: 2022-09-06. Review status: criteria provided, single submitter. Criteria: ACMG Guidelines, 2015. Collection method: clinical testing. Allele origin: germline. Observed: 39 variant alleles.

Breakthrough Genomics
Classification: Benign. Review status: criteria provided, single submitter. Criteria: ACMG Guidelines, 2015. Collection method: not provided. Allele origin: germline. Inheritance: Autosomal recessive inheritance. Affected: yes.